The following is an entry in ClinVar:

NM_007294.4(BRCA1):c.2525A>G (p.Glu842Gly)

Gene: BRCA1 (BRCA1 DNA repair associated; minus strand). Cytogenetic location: 17q21.31.
Variant type: single nucleotide variant.
Coding change: c.2525A>G on transcript NM_007294.4 (MANE Select); coding-DNA position 2525, A replaced by G.
Protein change: p.Glu842Gly; replaces glutamic acid 842 with glycine.
Molecular consequence: missense variant. On other transcripts: intron variant (137).
Genome position (GRCh38, 1-based): chr17:43,093,006, T>C on the plus strand (A>G on the coding strand, the complement: BRCA1 is on the minus strand). VCF-style: chr17-43093006-T-C. GRCh37 (hg19) VCF-style: chr17-41245023-T-C.
Other names: 2644A>G; c.2312A>G, p.Glu771Gly (NM_001407571.1, NM_001407915.1, NM_001407916.1 and 9 more transcripts); c.2525A>G, p.Glu842Gly (NM_001407581.1, NM_001407582.1, NM_001407583.1 and 30 more transcripts); c.2522A>G, p.Glu841Gly (NM_001407587.1, NM_001407590.1, NM_001407591.1 and 22 more transcripts); c.2447A>G, p.Glu816Gly (NM_001407655.1, NM_001407656.1, NM_001407657.1 and 4 more transcripts); c.2444A>G, p.Glu815Gly (NM_001407659.1, NM_001407660.1, NM_001407661.1 and 1 more transcripts); c.2402A>G, p.Glu801Gly (NM_001407674.1, NM_001407675.1, NM_001407676.1 and 19 more transcripts); c.2384A>G, p.Glu795Gly (NM_001407694.1, NM_001407695.1, NM_001407696.1 and 29 more transcripts); and 42 more; short protein forms E842G, E795G, E731G, E753G, E841G, E771G, E774G, E775G.
Identifiers: ClinVar variation 91592 (VCV000091592.36), dbSNP rs28897684, ClinGen allele CA001674.

ClinVar aggregate classification (germline): Benign. Review status: reviewed by expert panel (3 of 4 stars). 16 submissions from 16 submitters: Benign (1). 15 of the submissions do not count toward it. Last evaluated 2015-08-10.

Conditions:
Inherited breast cancer and ovarian cancer.
BRCA1-related disorder. Also called: BRCA1-related condition.
Breast and/or ovarian cancer. Identifiers: MedGen CN221562.
Hereditary breast ovarian cancer syndrome. Also called: Breast and ovarian cancer; BRCA1- and BRCA2-Associated Hereditary Breast and Ovarian Cancer; Hereditary breast and ovarian cancer; Hereditary breast and ovarian cancer syndrome; Hereditary breast and ovarian cancer syndrome (HBOC); Hereditary breast and/or ovarian cancer syndrome. Identifiers: Orphanet 145, MedGen C0677776, MeSH D061325, MONDO:0003582. Disease mechanism: loss of function.
Breast-ovarian cancer, familial, susceptibility to, 1 (BROVCA1). Also called: BRCA1 Hereditary Breast and Ovarian Cancer; OVARIAN CANCER, SUSCEPTIBILITY TO. Identifiers: Orphanet 145, MedGen C2676676, MONDO:0011450, OMIM 604370. Disease mechanism: loss of function.
Hereditary cancer-predisposing syndrome. Also called: Tumor predisposition; Hereditary Cancer Syndrome; Neoplastic Syndromes, Hereditary; Hereditary neoplastic syndrome. Identifiers: Orphanet 140162, MedGen C0027672, MeSH D009386, MONDO:0015356.

Allele frequency attached by ClinVar (database versions not stated): gnomAD exomes 0.00001 and 0.00004; TOPMed 0.00001; ExAC 0.00002; gnomAD 0.00002.
gnomAD v4.1: 63 of 1,613,804 alleles (0.0039%); highest among the groups gnomAD compares: Non-Finnish European, 0.0051%; no homozygotes.

Submissions (16):

Evidence-based Network for the Interpretation of Germline Mutant Alleles (ENIGMA)
Classification: Benign for Breast-ovarian cancer, familial 1. Last evaluated: 2015-08-10. Review status: reviewed by expert panel. Criteria: ENIGMA BRCA1/2 Classification Criteria (2015). Collection method: curation. Allele origin: germline.
Comment: IARC class based on posterior probability from multifactorial likelihood analysis, thresholds for class as per Plon et al. 2008 (PMID: 18951446). Class 1 based on posterior probability = 0.0000043

Cambridge Genomics Laboratory, East Genomic Laboratory Hub, NHS Genomic Medicine Service
Classification: Benign for Inherited breast cancer and ovarian cancer. Last evaluated: 2026-11-05. Review status: criteria provided, single submitter. Criteria: ACGS Best Practice Guidelines for Variant Classification in Rare Disease 2020. Collection method: clinical testing. Allele origin: germline. Affected: yes. Not counted in ClinVar's aggregate classification.
Comment: BP1_Strong,BP5_Very Strong

PreventionGenetics, part of Exact Sciences
Classification: Likely benign for BRCA1-related condition. Last evaluated: 2026-08-28. Review status: criteria provided, single submitter. Criteria: ACMG Guidelines, 2015. Collection method: clinical testing. Allele origin: germline. Not counted in ClinVar's aggregate classification.
Comment: This variant is classified as likely benign based on ACMG/AMP sequence variant interpretation guidelines (Richards et al. 2015 PMID: 25741868, with internal and published modifications).

Labcorp Genetics (formerly Invitae), Labcorp
Classification: Benign for Hereditary breast ovarian cancer syndrome. Last evaluated: 2026-01-06. Review status: criteria provided, single submitter. Criteria: Invitae Variant Classification Sherloc (09022015). Collection method: clinical testing. Allele origin: germline. Not counted in ClinVar's aggregate classification.

Blueprint Genetics
Classification: Likely benign. Last evaluated: 2024-09-20. Review status: criteria provided, single submitter. Criteria: ACMG Guidelines, 2015. Collection method: clinical testing. Allele origin: germline. Not counted in ClinVar's aggregate classification.

Genomics and Molecular Medicine Service, East Genomic Laboratory Hub, NHS Genomic Medicine Service
Classification: Benign for Inherited breast cancer and ovarian cancer. Last evaluated: 2024-05-23. Review status: criteria provided, single submitter. Criteria: ACGS Best Practice Guidelines for Variant Classification in Rare Disease 2020. Collection method: clinical testing. Allele origin: germline. Affected: yes. Not counted in ClinVar's aggregate classification.
Comment: BP1,BP5_Very Strong

CHEO Genetics Diagnostic Laboratory, Children's Hospital of Eastern Ontario
Classification: Likely benign for Breast and/or ovarian cancer. Last evaluated: 2022-03-10. Review status: criteria provided, single submitter. Criteria: ACMG Guidelines, 2015. Collection method: clinical testing. Allele origin: germline. Not counted in ClinVar's aggregate classification.

Sema4
Classification: Likely benign for Hereditary cancer-predisposing syndrome. Last evaluated: 2022-02-24. Review status: criteria provided, single submitter. Criteria: Sema4 Curation Guidelines. Collection method: curation. Allele origin: germline. Not counted in ClinVar's aggregate classification.

Women's Health and Genetics/Laboratory Corporation of America, LabCorp
Classification: Benign. Last evaluated: 2021-09-30. Review status: criteria provided, single submitter. Criteria: LabCorp Variant Classification Summary - May 2015. Collection method: clinical testing. Allele origin: germline. Not counted in ClinVar's aggregate classification.
Comment: Variant summary: BRCA1 c.2525A>G (p.Glu842Gly) results in a non-conservative amino acid change in the encoded protein sequence. Three of five in-silico tools predict a damaging effect of the variant on protein function. The variant allele was found at a frequency of 1.2e-05 in 251106 control chromosomes (gnomAD). The available data on variant occurrences in the general population are insufficient to allow any conclusion about variant significance. c.2525A>G was originally reported in the literature in individuals affected with Hereditary Breast and Ovarian Cancer (Judkins_2005, Cecener_2020). These reports do not provide unequivocal conclusions about association of the variant with Hereditary Breast and Ovarian Cancer. The variant has been reported in the FLOSSIES database in two women older than age 70 years who have never had cancer, providing supporting evidence for a benign role. To our knowledge, no experimental evidence demonstrating an impact on protein function has been reported. Studies utilizing multifactorial likelihood models to assess the clinical significance of BRCA1 variants predict this variant to be neutral/not pathogenic (Lindor_2012, Easton_2007). Six ClinVar submissions from clinical diagnostic laboratories and an expert panel (ENIGMA) (evaluation after 2014) cite the variant as likely benign (n=2) and benign (n=5, including ENIGMA). All submitters have utilized the same/overlapping sources of evidence utilized in this evaluation. Based on the evidence outlined above, the variant was classified as benign.

GeneDx
Classification: Likely benign. Last evaluated: 2019-12-23. Review status: criteria provided, single submitter. Criteria: GeneDx Variant Classification Process June 2021. Collection method: clinical testing. Allele origin: germline. Affected: yes. Not counted in ClinVar's aggregate classification.
Comment: This variant is associated with the following publications: (PMID: 21990134, 16267036, 25348012, 17924331, 17719744)

Quest Diagnostics Nichols Institute San Juan Capistrano
Classification: Likely benign. Last evaluated: 2017-03-10. Review status: criteria provided, single submitter. Criteria: Quest Diagnostics criteria. Collection method: clinical testing. Allele origin: germline. Not counted in ClinVar's aggregate classification.

Color Diagnostics, LLC DBA Color Health
Classification: Benign for Hereditary cancer-predisposing syndrome. Last evaluated: 2016-11-21. Review status: criteria provided, single submitter. Criteria: ACMG Guidelines, 2015. Collection method: clinical testing. Allele origin: germline. Not counted in ClinVar's aggregate classification.

Ambry Genetics
Classification: Benign for Hereditary cancer-predisposing syndrome. Last evaluated: 2014-11-18. Review status: criteria provided, single submitter. Criteria: Ambry Variant Classification Scheme 2023. Collection method: clinical testing. Allele origin: germline. Not counted in ClinVar's aggregate classification.

Counsyl
Classification: Benign for Breast-ovarian cancer, familial, susceptibility to, 1. Last evaluated: 2015-12-04. Review status: no assertion criteria provided. Collection method: clinical testing. Allele origin: unknown. Not counted in ClinVar's aggregate classification.

Sharing Clinical Reports Project (SCRP)
Classification: Benign for Breast-ovarian cancer, familial 1. Last evaluated: 2012-05-01. Review status: no assertion criteria provided. Collection method: clinical testing. Allele origin: germline. Not counted in ClinVar's aggregate classification.

Department of Pathology and Laboratory Medicine, Sinai Health System
Classification: Likely benign. Review status: no assertion criteria provided. Collection method: clinical testing. Allele origin: unknown. Affected: yes. Study: The Canadian Open Genetics Repository (COGR). Not counted in ClinVar's aggregate classification.
Comment: The p.Glu842Gly variant was identified in the literature with conflicting interpretations of pathogenicity based on predictive computational models, neutral (Lindor 2012, Easton 2007) and variant of unknown significance (Judkins 2005). The variant was also identified in dbSNP (ID: rs28897684) â€šÃ„ÃºWith Uncertain significance alleleâ€šÃ„Ã¹, Clinvitae database (classifications: benign and likely benign), Fanconi Anemia Mutation Database (unclassified), LOVD-IARC database (classified as not pathogenic), ARUP Laboratories BRCA Mutations Database (classification not pathogenic or of no clinical significance), the ClinVar database (classifications: benign by ENIGMA, Ambry Genetics and Sharing Clinical Reports Project), derived from Myriad reports; likely benign by Invitae; and uncertain significance by Molecular Genetics Diagnostic Laboratory-CHEO), UMD (2x with a â€šÃ„Ãºneutralâ€šÃ„Ã¹ classification), and the Exome Aggregation Consortium (ExAC) database (released Jan 13, 2015) in the European (Non-Finnish) population in 2 of 66712 alleles (frequency: 0.00003), although this low number of observations and low frequency is not substantive enough to determine the prevalence of the variant in the general population and its relationship to disease. The p.Glu842 residue is conserved in mammals but not in more distantly related organisms and computational analyses (PolyPhen-2, SIFT, AlignGVGD, BLOSUM, MutationTaster) provide inconsistent predictions regarding the impact to the protein; this information is not very predictive of pathogenicity. The variant occurs outside of the splicing consensus sequence and in silico or computational prediction software programs (SpliceSiteFinder, MaxEntScan, NNSPLICE, GeneSplicer, HumanSpliceFinder) do not predict a difference in splicing; this information is not very predictive of pathogenicity. In summary, based on the above information, the clinical significance of this variant cannot be determined with certainty at this time although we would lean towards a more benign role for this variant. This variant is classified as likely benign.

Literature cited by the submitters: PubMed 21990134 (cited by 4 submitters); PubMed 33471991 (cited by Sema4); PubMed 16267036 (cited by 3 submitters); PubMed 17924331 (cited by 3 submitters); PubMed 22753008 (cited by Women's Health and Genetics/Laboratory Corporation of America, LabCorp); PubMed 29580235 (cited by Women's Health and Genetics/Laboratory Corporation of America, LabCorp); PubMed 31706072 (cited by Women's Health and Genetics/Laboratory Corporation of America, LabCorp).